The following is an entry in ClinVar:

NM_000094.4(COL7A1):c.6831+60_6877del

Gene: COL7A1 (collagen type VII alpha 1 chain; minus strand). Cytogenetic location: 3p21.31.
Variant type: Deletion.
Coding change: c.6831+60_6877del on transcript NM_000094.4 (MANE Select); 60 bases into the intron after coding-DNA position 6831 through coding-DNA position 6877, 109 bases deleted.
Molecular consequence: splice acceptor variant.
Genome position (GRCh38, 1-based): chr3:48,572,694-48,572,802, 109 bases deleted. GRCh37 (hg19): chr3:48,610,129-48,610,237.
Identifiers: ClinVar variation 4725967 (VCV004725967.1).

ClinVar aggregate classification (germline): Likely pathogenic (1 of 4 stars; one submission).

Submission:

Labcorp Genetics (formerly Invitae), Labcorp
Classification: Likely pathogenic. Last evaluated: 2025-08-24. Review status: criteria provided, single submitter. Criteria: Invitae Variant Classification Sherloc (09022015). Collection method: clinical testing. Allele origin: germline.
Comment: This variant results in the deletion of part of exon 87 (c.6831+60_6877del) of the COL7A1 gene. It is expected to disrupt splicing. Variants that disrupt the donor or acceptor splice site typically lead to a loss of protein function (PMID: 16199547), and loss-of-function variants in COL7A1 are known to be disease-causing for autosomal recessive dystrophic epidermolysis bullosa (PMID: 16971478). However, certain variants affecting donor or acceptor splice sites in the triple helical domain of COL7A1 are expected to result in in-frame exon skipping and have been reported to cause autosomal dominant dystrophic epidermolysis bullosa (PMID: 31670143). This variant is not present in population databases (gnomAD no frequency). This variant has not been reported in the literature in individuals affected with COL7A1-related conditions. In summary, the currently available evidence indicates that the variant is pathogenic, but additional data are needed to prove that conclusively. Therefore, this variant has been classified as Likely Pathogenic.

Literature cited by the submitters: PubMed 16199547; PubMed 16971478; PubMed 31670143.